The following is an entry in ClinVar:

ClinVar aggregate classification (germline): Likely benign. Review status: criteria provided, multiple submitters, no conflicts (2 of 4 stars). 4 submissions from 4 submitters: Likely benign (4). Last evaluated 2023-12-01.

Conditions:
Catecholaminergic polymorphic ventricular tachycardia (CVPT). Also called: Catecholamine-induced polymorphic ventricular tachycardia. Identifiers: Orphanet 3286, MedGen C5574922, MONDO:0017990.
Cardiovascular phenotype. Identifiers: MedGen CN230736.
Cardiomyopathy (CMYO). Also called: Cardiomyopathies. Identifiers: Orphanet 167848, MedGen C0878544, MONDO:0004994, HP:0001638. Inheritance: Various modes of inheritance.
Catecholaminergic polymorphic ventricular tachycardia 1. Also called: VENTRICULAR TACHYCARDIA, CATECHOLAMINERGIC POLYMORPHIC, 1, WITH OR WITHOUT ATRIAL DYSFUNCTION AND/OR DILATED CARDIOMYOPATHY; VENTRICULAR TACHYCARDIA, STRESS-INDUCED POLYMORPHIC 1; RYR2-Related Catecholaminergic Polymorphic Ventricular Tachycardia. Identifiers: Orphanet 3286, MedGen C1631597, MONDO:0011484, OMIM 604772.

Allele frequency attached by ClinVar (database versions not stated): TOPMed below 0.00001.
gnomAD v4.1: 1 of 1,610,302 alleles (0.000062%); no homozygotes.

Submissions (4):

All of Us Research Program, National Institutes of Health
Classification: Likely benign for Catecholaminergic polymorphic ventricular tachycardia. Last evaluated: 2023-12-01. Review status: criteria provided, single submitter. Criteria: ACMG Guidelines, 2015. Collection method: clinical testing. Allele origin: germline. Inheritance: Autosomal dominant inheritance. Observed: 1 variant allele, 1 heterozygote.
Comment: This study involves interpretation of variants in research participants for the purpose of population health screening. Participant phenotype was not available at the time of variant classification. Additional details can be found in publication PMID: 35346344, PMCID: PMC8962531

Labcorp Genetics (formerly Invitae), Labcorp
Classification: Likely benign for Catecholaminergic polymorphic ventricular tachycardia 1. Last evaluated: 2023-07-19. Review status: criteria provided, single submitter. Criteria: Invitae Variant Classification Sherloc (09022015). Collection method: clinical testing. Allele origin: germline.

Ambry Genetics
Classification: Likely benign for Cardiovascular phenotype. Last evaluated: 2022-09-02. Review status: criteria provided, single submitter. Criteria: Ambry Variant Classification Scheme 2023. Collection method: clinical testing. Allele origin: germline.

Color Diagnostics, LLC DBA Color Health
Classification: Likely benign for Cardiomyopathy. Last evaluated: 2022-04-19. Review status: criteria provided, single submitter. Criteria: ACMG Guidelines, 2015. Collection method: clinical testing. Allele origin: germline.

NM_001035.3(RYR2):c.4161A>G (p.Arg1387=)

Gene: RYR2 (ryanodine receptor 2; plus strand). Cytogenetic location: 1q43.
Variant type: single nucleotide variant.
Coding change: c.4161A>G on transcript NM_001035.3 (MANE Select); coding-DNA position 4161, A replaced by G.
Protein change: p.Arg1387=; no amino-acid change (arginine 1387 retained).
Molecular consequence: synonymous variant.
Genome position (GRCh38, 1-based): chr1:237,591,739, A>G. VCF-style: chr1-237591739-A-G. GRCh37 (hg19) VCF-style: chr1-237755039-A-G.
Identifiers: ClinVar variation 848421 (VCV000848421.16), dbSNP rs1573004917, ClinGen allele CA423819784.